The following is an entry in ClinVar:

NM_001031689.3(PLAA):c.802C>T (p.Arg268Ter)

Gene: PLAA (phospholipase A2 activating protein; minus strand). Cytogenetic location: 9p21.2.
Variant type: single nucleotide variant.
Coding change: c.802C>T on transcript NM_001031689.3 (MANE Select); coding-DNA position 802, C replaced by T.
Protein change: p.Arg268Ter; replaces arginine 268 with a stop codon.
Molecular consequence: nonsense.
Genome position (GRCh38, 1-based): chr9:26,925,892, G>A on the plus strand (C>T on the coding strand, the complement: PLAA is on the minus strand). VCF-style: chr9-26925892-G-A. GRCh37 (hg19) VCF-style: chr9-26925890-G-A.
Other names: c.802C>T, p.Arg268Ter (NM_001321546.2); short protein forms R268*.
Identifiers: ClinVar variation 3307234 (VCV003307234.1).
Genomic context (GRCh38, chr9:26,925,892, plus strand): 5'-CAACCACAATGTCACCATTGTCGAGCACACAGCAGCACCATATAGACTGAGCTGGAAGTC[G>A]GATAGTTTGAGCACATTCCCCATGTTTCCAGATTCTCAGAGATCTGTCCTCTGCTGTTGT-3'

ClinVar aggregate classification (germline): Pathogenic (1 of 4 stars; one submission).

Conditions:
Inborn genetic diseases. Identifiers: MedGen C0950123, MeSH D030342.

gnomAD v4.1: 4 of 1,613,386 alleles (0.00025%); highest among the groups gnomAD compares: African/African-American, 0.0027%; no homozygotes.

Submission:

Ambry Genetics
Classification: Pathogenic for Inborn genetic diseases. Last evaluated: 2024-03-15. Review status: criteria provided, single submitter. Criteria: Ambry Variant Classification Scheme 2023. Collection method: clinical testing. Allele origin: germline.
Comment: The c.802C>T (p.R268*) alteration, located in exon 6 (coding exon 6) of the PLAA gene, consists of a C to T substitution at nucleotide position 802. This changes the amino acid from a arginine (R) to a stop codon at amino acid position 268. This alteration is expected to result in loss of function by premature protein truncation or nonsense-mediated mRNA decay. Based on data from gnomAD, the T allele has an overall frequency of <0.001% (1/251430) total alleles studied. The highest observed frequency was 0.005% (1/18394) of East Asian alleles. Based on the available evidence, this alteration is classified as pathogenic.